The following is an entry in ClinVar:

NM_001379500.1(COL18A1):c.1996G>A (p.Gly666Ser)

Gene: COL18A1 (collagen type XVIII alpha 1 chain; plus strand). Cytogenetic location: 21q22.3.
Variant type: single nucleotide variant.
Coding change: c.1996G>A on transcript NM_001379500.1 (MANE Select); coding-DNA position 1996, G replaced by A.
Protein change: p.Gly666Ser; replaces glycine 666 with serine.
Molecular consequence: missense variant.
Genome position (GRCh38, 1-based): chr21:45,490,311, G>A. VCF-style: chr21-45490311-G-A. GRCh37 (hg19) VCF-style: chr21-46910225-G-A.
Other names: NM_130445.2:c.1996G>A; c.2536G>A, p.Gly846Ser (NM_030582.4); c.3241G>A, p.Gly1081Ser (NM_130444.3); c.2536G>A (NM_030582.3); short protein forms G666S, G1081S, G846S.
Identifiers: ClinVar variation 1467982 (VCV001467982.8), dbSNP rs529458355, ClinGen allele CA10066737.

ClinVar aggregate classification (germline): Uncertain significance. Review status: criteria provided, multiple submitters, no conflicts (2 of 4 stars). 4 submissions from 4 submitters: Uncertain significance (4). Last evaluated 2026-06-01.

Conditions:
Inborn genetic diseases. Identifiers: MedGen C0950123, MeSH D030342.
COL18A1-related disorder. Also called: COL18A1-related disorders; COL18A1-related condition.

Allele frequency attached by ClinVar (database versions not stated): gnomAD 0.00001 and 0.00002; gnomAD exomes 0.00001; ExAC 0.00003; TOPMed 0.00003; 1000 Genomes Project 30x 0.00016; 1000 Genomes Project 0.00020.
gnomAD v4.1: 20 of 1,588,330 alleles (0.0013%); highest among the groups gnomAD compares: Admixed American, 0.0071%; no homozygotes.

Submissions (4):

CeGaT Center for Human Genetics Tuebingen
Classification: Uncertain significance. Last evaluated: 2026-06-01. Review status: criteria provided, single submitter. Criteria: CeGaT Center For Human Genetics Tuebingen Variant Classification Criteria Version 2. Collection method: clinical testing. Allele origin: germline. Affected: yes. Observed: 1 variant allele.
Comment: COL18A1: PM2

PreventionGenetics, part of Exact Sciences
Classification: Uncertain significance for COL18A1-related condition. Last evaluated: 2026-03-25. Review status: criteria provided, single submitter. Criteria: ACMG Guidelines, 2015. Collection method: clinical testing. Allele origin: germline.
Comment: The COL18A1 c.2536G>A variant is predicted to result in the amino acid substitution p.Gly846Ser. To our knowledge, this variant has not been reported in the literature. This variant is reported in 0.0033% of alleles in individuals of Latino descent in gnomAD. At this time, the clinical significance of this variant is uncertain due to the absence of conclusive functional and genetic evidence.

Ambry Genetics
Classification: Uncertain significance for Inborn genetic diseases. Last evaluated: 2025-06-07. Review status: criteria provided, single submitter. Criteria: Ambry Variant Classification Scheme 2023. Collection method: clinical testing. Allele origin: germline.

Labcorp Genetics (formerly Invitae), Labcorp
Classification: Uncertain significance. Last evaluated: 2024-10-02. Review status: criteria provided, single submitter. Criteria: Invitae Variant Classification Sherloc (09022015). Collection method: clinical testing. Allele origin: germline.
Comment: This sequence change replaces glycine, which is neutral and non-polar, with serine, which is neutral and polar, at codon 666 of the COL18A1 protein (p.Gly666Ser). The frequency data for this variant in the population databases is considered unreliable, as metrics indicate poor data quality at this position in the gnomAD database. This variant has not been reported in the literature in individuals affected with COL18A1-related conditions. ClinVar contains an entry for this variant (Variation ID: 1467982). Experimental studies and prediction algorithms are not available or were not evaluated, and the functional significance of this variant is currently unknown. In summary, the available evidence is currently insufficient to determine the role of this variant in disease. Therefore, it has been classified as a Variant of Uncertain Significance.